The following is an entry in ClinVar:

ClinVar aggregate classification (germline): Pathogenic. Review status: reviewed by expert panel (3 of 4 stars). 14 submissions from 14 submitters: Pathogenic (1). 13 of the submissions do not count toward it. Last evaluated 2013-09-05.

Conditions:
Hereditary nonpolyposis colon cancer (HNPCC). Also called: Hereditary nonpolyposis colorectal cancer; Familial nonpolyposis colon cancer; Hereditary Nonpolyposis Colorectal Cancer Syndrome. Identifiers: Orphanet 443909, MedGen C1333990, MONDO:0018630. Disease mechanism: loss of function.
Hereditary nonpolyposis colorectal neoplasms. Identifiers: MedGen C0009405, MeSH D003123.
Hereditary cancer-predisposing syndrome. Also called: Neoplastic Syndromes, Hereditary; Hereditary neoplastic syndrome; Hereditary Cancer Syndrome; Tumor predisposition. Identifiers: Orphanet 140162, MedGen C0027672, MeSH D009386, MONDO:0015356.
Lynch syndrome. Identifiers: Orphanet 144, MedGen C4552100, MONDO:0005835. Disease mechanism: loss of function.
Lynch syndrome 5 (LYNCH5). Also called: Colorectal cancer, hereditary nonpolyposis, type 5; Hereditary non-polyposis colorectal cancer, type 5. Identifiers: Orphanet 144, MedGen C1833477, MONDO:0013710, OMIM 614350. Disease mechanism: loss of function.
Endometrial carcinoma. Also called: Endometrial carcinoma, somatic. Identifiers: MedGen C0476089, MONDO:0002447, OMIM 608089, HP:0012114.

Submissions (14):

International Society for Gastrointestinal Hereditary Tumours (InSiGHT)
Classification: Pathogenic for Lynch Syndrome. Last evaluated: 2013-09-05. Review status: reviewed by expert panel. Criteria: Guidelines v1.9. Collection method: research. Allele origin: germline.
Comment: Coding sequence variation resulting in a stop codon

Classified with v1.9 guidelines

Labcorp Genetics (formerly Invitae), Labcorp
Classification: Pathogenic for Hereditary nonpolyposis colorectal neoplasms. Last evaluated: 2026-01-27. Review status: criteria provided, single submitter. Criteria: Invitae Variant Classification Sherloc (09022015). Collection method: clinical testing. Allele origin: germline. Not counted in ClinVar's aggregate classification.
Comment: This sequence change creates a premature translational stop signal (p.Phe1104Trpfs*3) in the MSH6 gene. It is expected to result in an absent or disrupted protein product. Loss-of-function variants in MSH6 are known to be pathogenic (PMID: 18269114, 24362816). This variant is present in population databases (rs267608092, gnomAD 0.003%). This variant has not been reported in the literature in individuals affected with MSH6-related conditions. Invitae Evidence Modeling of clinical and family history, age, sex, and reported ancestry of multiple individuals with this MSH6 variant has been performed. This variant is expected to be pathogenic with a positive predictive value of at least 99%. This is a validated machine learning model that incorporates the clinical features of 1,627,235 individuals referred to our laboratory for MSH6 testing. ClinVar contains an entry for this variant (Variation ID: 89370). For these reasons, this variant has been classified as Pathogenic.

Women's Health and Genetics/Laboratory Corporation of America, LabCorp
Classification: Pathogenic for Hereditary nonpolyposis colon cancer. Last evaluated: 2026-01-09. Review status: criteria provided, single submitter. Criteria: LabCorp Variant Classification Summary - May 2015. Collection method: clinical testing. Allele origin: germline. Not counted in ClinVar's aggregate classification.
Comment: Variant summary: MSH6 c.3311_3312delTT (p.Phe1104TrpfsX3) results in a premature termination codon, predicted to cause absence of the protein due to nonsense mediated decay, which is a commonly known mechanisms for disease. The variant allele was found at a frequency of 4e-06 in 251428 control chromosomes. c.3311_3312delTT has been observed in multiple individuals from a family affected with Colorectal cancer/stomach cancer(examples, Liccardo_2022). These data indicate that the variant is likely to be associated with disease. To our knowledge, no experimental evidence demonstrating an impact on protein function has been reported. The following publication has been ascertained in the context of this evaluation (PMID: 35475445). ClinVar contains an entry for this variant (Variation ID: 89370). Based on the evidence outlined above, the variant was classified as pathogenic.

GeneDx
Classification: Pathogenic. Last evaluated: 2025-12-18. Review status: criteria provided, single submitter. Criteria: GeneDx Variant Classification Process June 2021. Collection method: clinical testing. Allele origin: germline. Not counted in ClinVar's aggregate classification.
Comment: Frameshift variant predicted to result in protein truncation or nonsense mediated decay in a gene for which loss of function is a known mechanism of disease; Truncating variants in this gene are considered pathogenic by a well-established clinical consortium and/or database; Not observed at significant frequency in large population cohorts (gnomAD); This variant is associated with the following publications: (PMID: 12376742, 35475445, 28888541, 29922827)

Quest Diagnostics Nichols Institute San Juan Capistrano
Classification: Pathogenic. Last evaluated: 2025-10-11. Review status: criteria provided, single submitter. Criteria: Quest Diagnostics criteria. Collection method: clinical testing. Allele origin: unknown. Not counted in ClinVar's aggregate classification.
Comment: The MSH6 c.3311_3312del (p.Phe1104Trpfs*3) variant alters the translational reading frame of the MSH6 mRNA and causes the premature termination of MSH6 protein synthesis. This variant has been reported in the published literature in individuals with endometrial cancer (PMID: 26648449 (2015), ovarian cancer (PMID: 30128536 (2018)), colorectal cancer (PMID: 23541221 (2013), and suspected Lynch syndrome (PMID: 35475445 (2022)). The frequency of this variant in the general population (Genome Aggregation Database) is consistent with pathogenicity. Based on the available information, this variant is classified as pathogenic.

Color Diagnostics, LLC DBA Color Health
Classification: Pathogenic for Hereditary cancer-predisposing syndrome. Last evaluated: 2025-06-09. Review status: criteria provided, single submitter. Criteria: ACMG Guidelines, 2015. Collection method: clinical testing. Allele origin: germline. Not counted in ClinVar's aggregate classification.
Comment: This variant deletes 2 nucleotides in exon 5 of the MSH6 gene, creating a frameshift and premature translation stop signal. This variant is expected to result in an absent or non-functional protein product. This variant has been reported in individuals and families affected with Lynch syndrome-associated disease (PMID: 12376742, 16813607, 23541221, 27331139). This variant has been identified in 1/251428 chromosomes in the general population by the Genome Aggregation Database (gnomAD). Loss of MSH6 function is a known mechanism of disease. Based on the available evidence, this variant is classified as Pathogenic.

Ambry Genetics
Classification: Pathogenic for Hereditary cancer-predisposing syndrome. Last evaluated: 2023-11-30. Review status: criteria provided, single submitter. Criteria: Ambry Variant Classification Scheme 2023. Collection method: clinical testing. Allele origin: germline. Not counted in ClinVar's aggregate classification.
Comment: The c.3311_3312delTT pathogenic mutation, located in coding exon 5 of the MSH6 gene, results from a deletion of two nucleotides at nucleotide positions 3311 to 3312, causing a translational frameshift with a predicted alternate stop codon (p.F1104Wfs*3). The proband's cousin was confirmed to be positive for the variant, which established obligate carrier status in the proband's father (Suchy J et al. J. Hum. Genet. 2002;47:529-31; Suchy J et al. Clin Genet. 2006 Jul;70:68-70). In addition to the clinical data presented in the literature, this alteration is expected to result in loss of function by premature protein truncation or nonsense-mediated mRNA decay. As such, this alteration is interpreted as a disease-causing mutation.

Baylor Genetics
Classification: Pathogenic for Endometrial carcinoma. Last evaluated: 2023-08-25. Review status: criteria provided, single submitter. Criteria: ACMG Guidelines, 2015. Collection method: clinical testing. Allele origin: unknown. Not counted in ClinVar's aggregate classification.

Myriad Genetics, Inc.
Classification: Pathogenic for Lynch syndrome 5. Last evaluated: 2023-08-22. Review status: criteria provided, single submitter. Criteria: Myriad Autosomal Dominant, Autosomal Recessive and X-Linked Classification Criteria (2023). Collection method: clinical testing. Allele origin: unknown. Not counted in ClinVar's aggregate classification.
Comment: This variant is considered pathogenic. This variant creates a frameshift predicted to result in premature protein truncation.

All of Us Research Program, National Institutes of Health
Classification: Pathogenic for Lynch syndrome. Last evaluated: 2023-06-08. Review status: criteria provided, single submitter. Criteria: ACMG Guidelines, 2015. Collection method: clinical testing. Allele origin: germline. Inheritance: Autosomal dominant inheritance. Observed: 1 variant allele, 1 heterozygote. Not counted in ClinVar's aggregate classification.
Comment: This variant deletes 2 nucleotides in exon 5 of the MSH6 gene, creating a frameshift and premature translation stop signal. This variant is expected to result in an absent or non-functional protein product. This variant has been reported in individuals and families affected with Lynch syndrome-associated disease (PMID: 12376742, 16813607, 23541221, 27331139). This variant has been identified in 1/251428 chromosomes in the general population by the Genome Aggregation Database (gnomAD). Loss of MSH6 function is a known mechanism of disease. Based on the available evidence, this variant is classified as Pathogenic.

This study involves interpretation of variants in research participants for the purpose of population health screening. Participant phenotype was not available at the time of variant classification. Additional details can be found in publication PMID: 35346344, PMCID: PMC8962531

Revvity Omics, Revvity
Classification: Pathogenic. Last evaluated: 2019-05-05. Review status: criteria provided, single submitter. Criteria: ACMG Guidelines, 2015. Collection method: clinical testing. Allele origin: germline. Not counted in ClinVar's aggregate classification.

Eurofins Ntd Llc (ga)
Classification: Pathogenic. Last evaluated: 2016-02-04. Review status: criteria provided, single submitter. Criteria: EGL Classification Definitions 2015. Collection method: clinical testing. Allele origin: germline. Observed: 2 variant alleles, 2 heterozygotes. Not counted in ClinVar's aggregate classification.

OMIM
Classification: Pathogenic for LYNCH SYNDROME 5. Last evaluated: 2002-01-01. Review status: no assertion criteria provided. Collection method: literature only. Allele origin: germline. Not counted in ClinVar's aggregate classification.

Mayo Clinic Laboratories, Mayo Clinic
Classification: Pathogenic. Review status: no assertion criteria provided. Collection method: research. Allele origin: unknown. Observed: 1 variant allele. Not counted in ClinVar's aggregate classification.

Literature cited by the submitters: PubMed 18269114 (cited by Labcorp Genetics (formerly Invitae), Labcorp); PubMed 24362816 (cited by Labcorp Genetics (formerly Invitae), Labcorp); PubMed 35475445 (cited by Women's Health and Genetics/Laboratory Corporation of America, LabCorp and Quest Diagnostics Nichols Institute San Juan Capistrano); PubMed 33746161 (cited by Quest Diagnostics Nichols Institute San Juan Capistrano); PubMed 12376742 (cited by 5 submitters); PubMed 26648449 (cited by Quest Diagnostics Nichols Institute San Juan Capistrano); PubMed 30128536 (cited by Quest Diagnostics Nichols Institute San Juan Capistrano); PubMed 23541221 (cited by 4 submitters); PubMed 16813607 (cited by 3 submitters); PubMed 27331139 (cited by 3 submitters).

NM_000179.3(MSH6):c.3311_3312del (p.Phe1104fs)

Gene: MSH6 (mutS homolog 6; plus strand). Cytogenetic location: 2p16.3.
Variant type: Deletion.
Coding change: c.3311_3312del on transcript NM_000179.3 (MANE Select); coding-DNA positions 3311 to 3312, 2 bases deleted (TT; older notation c.3311_3312delTT).
Protein change: p.Phe1104fs; shifts the reading frame from phenylalanine 1104.
Molecular consequence: frameshift variant.
Genome position (GRCh38, 1-based): chr2:47,803,558-47,803,559, TT deleted; deleting any 2 consecutive bases within chr2:47,803,553-47,803,559 gives the same sequence; the c. name uses the placement nearest the transcript's 3' end. VCF-style (leftmost placement, unchanged base first): chr2-47803552-CTT-C. GRCh37 (hg19) VCF-style: chr2-48030691-CTT-C.
Other names: c.3311_3312delTT (NM_000179.2, NM_000179.3); c.2921_2922del, p.Phe974fs (NM_001281492.2); c.2405_2406del, p.Phe802fs (NM_001281493.2, NM_001281494.2); short protein forms F974fs, F802fs.
Identifiers: ClinVar variation 89370 (VCV000089370.38), dbSNP rs267608092, ClinGen allele CA012534.